The following is an entry in ClinVar:

ClinVar aggregate classification (germline): Pathogenic (1 of 4 stars; one submission).

Conditions:
Hypertrophic cardiomyopathy. Also called: HYPERTROPHIC MYOCARDIOPATHY. Identifiers: Orphanet 217569, MedGen C0007194, MeSH D002312, MONDO:0005045, HP:0001639.

Submission:

Labcorp Genetics (formerly Invitae), Labcorp
Classification: Pathogenic for Hypertrophic cardiomyopathy. Last evaluated: 2025-08-25. Review status: criteria provided, single submitter. Criteria: Invitae Variant Classification Sherloc (09022015). Collection method: clinical testing. Allele origin: germline.
Comment: This sequence change creates a premature translational stop signal (p.Leu52Alafs*57) in the TNNI3 gene. It is expected to result in an absent or disrupted protein product. Loss-of-function variants in TNNI3 are known to be pathogenic (PMID: 31568572, 34036930, 35838873). This variant is not present in population databases (gnomAD no frequency). This variant has not been reported in the literature in individuals affected with TNNI3-related conditions. For these reasons, this variant has been classified as Pathogenic.

Literature cited by the submitters: PubMed 31568572; PubMed 34036930; PubMed 35838873.

NM_000363.5(TNNI3):c.154_155del (p.Leu52fs)

Gene: TNNI3 (troponin I3, cardiac type; minus strand). Cytogenetic location: 19q13.42.
Variant type: Microsatellite.
Coding change: c.154_155del on transcript NM_000363.5 (MANE Select); coding-DNA positions 154 to 155, 2 bases deleted (CT; older notation c.154_155delCT).
Protein change: p.Leu52fs; shifts the reading frame from leucine 52.
Molecular consequence: frameshift variant.
Genome position (GRCh38, 1-based): chr19:55,156,328-55,156,329, AG deleted on the plus strand (CT on the coding strand, the reverse complement: TNNI3 is on the minus strand); deleting any 2 consecutive bases within chr19:55,156,328-55,156,331 gives the same sequence; the c. name uses the placement nearest the transcript's 3' end. VCF-style (leftmost placement, unchanged base first): chr19-55156327-CAG-C. GRCh37 (hg19) VCF-style: chr19-55667695-CAG-C.
Other names: short protein forms L52fs.
Identifiers: ClinVar variation 3716789 (VCV003716789.2).